The following is an entry in ClinVar:

ClinVar aggregate classification (germline): Likely benign (1 of 4 stars; one submission).

Submission:

GeneDx
Classification: Likely benign. Last evaluated: 2017-07-13. Review status: criteria provided, single submitter. Criteria: GeneDx Variant Classification (06012015). Collection method: clinical testing. Allele origin: germline. Affected: yes.
Comment: This variant is considered likely benign or benign based on one or more of the following criteria: it is a conservative change, it occurs at a poorly conserved position in the protein, it is predicted to be benign by multiple in silico algorithms, and/or has population frequency not consistent with disease.

NM_000393.5(COL5A2):c.3570T>C (p.Pro1190=)

Gene: COL5A2 (collagen type V alpha 2 chain; minus strand). Cytogenetic location: 2q32.2.
Variant type: single nucleotide variant.
Coding change: c.3570T>C on transcript NM_000393.5 (MANE Select); coding-DNA position 3570, T replaced by C.
Protein change: p.Pro1190=; no amino-acid change (proline 1190 retained).
Molecular consequence: synonymous variant.
Genome position (GRCh38, 1-based): chr2:189,041,649, A>G on the plus strand (T>C on the coding strand, the complement: COL5A2 is on the minus strand). VCF-style: chr2-189041649-A-G. GRCh37 (hg19) VCF-style: chr2-189906375-A-G.
Identifiers: ClinVar variation 510763 (VCV000510763.1), dbSNP rs1553513205, ClinGen allele CA430320556.